The following is an entry in ClinVar:

ClinVar aggregate classification (germline): Uncertain significance (1 of 4 stars; one submission).

Conditions:
Inborn genetic diseases. Identifiers: MedGen C0950123, MeSH D030342.

Submission:

Ambry Genetics
Classification: Uncertain significance for Inborn genetic diseases. Last evaluated: 2024-08-14. Review status: criteria provided, single submitter. Criteria: Ambry Variant Classification Scheme 2023. Collection method: clinical testing. Allele origin: germline.
Comment: The c.714+3G>T intronic alteration consists of a G to T substitution nucleotides after coding exon 8 in the HACE1 gene. Based on insufficient or conflicting evidence, the clinical significance of this alteration remains unclear.

NM_020771.4(HACE1):c.714+3G>T

Gene: HACE1 (HECT domain and ankyrin repeat containing E3 ubiquitin protein ligase 1; minus strand). Cytogenetic location: 6q16.3.
Variant type: single nucleotide variant.
Coding change: c.714+3G>T on transcript NM_020771.4 (MANE Select); 3 bases into the intron after coding-DNA position 714, G replaced by T.
Molecular consequence: intron variant.
Genome position (GRCh38, 1-based): chr6:104,796,926, C>A on the plus strand (G>T on the coding strand, the complement: HACE1 is on the minus strand). VCF-style: chr6-104796926-C-A. GRCh37 (hg19) VCF-style: chr6-105244801-C-A.
Other names: c.423+3G>T (NM_001350555.2); c.-70+3G>T (NM_001350560.2); c.210+3G>T (NM_001350557.2, NM_001350558.2, NM_001321084.2); c.228+3G>T (NM_001350556.2); c.132+3G>T (NM_001350559.2); c.582+3G>T (NM_001321080.2); c.480+3G>T (NM_001350554.2); c.612+3G>T (NM_001321083.2).
Identifiers: ClinVar variation 3523832 (VCV003523832.1).
Genomic context (GRCh38, chr6:104,796,926, plus strand): 5'-ATTTTTACCATTCCAGTTTCTATTATAAAGATAAGGGGCTCAGAATATAAATGAAAAACA[C>A]ACCTGTACACATAAATCCAGAGGAGTTACTCCATTTTTATCTGGCAGATATTTGGCTCCT-3'